The following is an entry in ClinVar:

ClinVar aggregate classification (germline): Benign. Review status: criteria provided, multiple submitters, no conflicts (2 of 4 stars). 14 submissions from 13 submitters: Benign (11). 3 of the submissions do not count toward it. Last evaluated 2026-02-03.

Conditions:
Autosomal dominant cerebellar ataxia. Also called: Spinocerebellar Ataxia, Dominant. Identifiers: Orphanet 99, MedGen C4087347, MONDO:0020380.
Inborn genetic diseases. Identifiers: MedGen C0950123, MeSH D030342.
Charcot-Marie-Tooth disease. Also called: Charcot-Marie-Tooth Neuropathy; Charcot-Marie-Tooth Hereditary Neuropathy. Identifiers: Orphanet 166, MedGen C0007959, MONDO:0015626.
Charcot-Marie-Tooth disease axonal type 2O. Also called: CHARCOT-MARIE-TOOTH NEUROPATHY, AXONAL, TYPE 2O; CHARCOT-MARIE-TOOTH DISEASE, AXONAL, AUTOSOMAL DOMINANT, TYPE 2O; Charcot-Marie-Tooth Neuropathy Type 2O; Charcot-Marie-Tooth disease, axonal, type 20. Identifiers: Orphanet 284232, MedGen C3280220, MONDO:0013644, OMIM 614228.

Allele frequency attached by ClinVar (database versions not stated): ExAC 0.00848; gnomAD exomes 0.00884 and 0.00977; 1000 Genomes Project 0.01138; 1000 Genomes Project 30x 0.01187; gnomAD 0.01388 and 0.01481; ESP Exome Variant Server 0.01599; TOPMed 0.01617.
gnomAD v4.1: 16,586 of 1,614,178 alleles (1%); highest among the groups gnomAD compares: African/African-American, 2.2%; 118 homozygotes.

Submissions (14):

Labcorp Genetics (formerly Invitae), Labcorp
Classification: Benign for Charcot-Marie-Tooth disease axonal type 2O. Last evaluated: 2026-02-03. Review status: criteria provided, single submitter. Criteria: Invitae Variant Classification Sherloc (09022015). Collection method: clinical testing. Allele origin: germline.

ARUP Laboratories, Molecular Genetics and Genomics, ARUP Laboratories
Classification: Benign. Last evaluated: 2025-07-17. Review status: criteria provided, single submitter. Criteria: ARUP Molecular Germline Variant Investigation Process 2024. Collection method: clinical testing. Allele origin: germline.

Illumina Laboratory Services, Illumina
Classification: Benign for Charcot-Marie-Tooth disease axonal type 2O. Last evaluated: 2018-01-13. Review status: criteria provided, single submitter. Criteria: ICSL Variant Classification Criteria 13 December 2019. Collection method: clinical testing. Allele origin: germline.
Comment: This variant was observed in the ICSL laboratory as part of a predisposition screen in an ostensibly healthy population. It had not been previously curated by ICSL or reported in the Human Gene Mutation Database (HGMD: prior to June 1st, 2018), and was therefore a candidate for classification through an automated scoring system. Utilizing variant allele frequency, disease prevalence and penetrance estimates, and inheritance mode, an automated score was calculated to assess if this variant is too frequent to cause the disease. Based on the score and internal cut-off values, a variant classified as benign is not then subjected to further curation. The score for this variant resulted in a classification of benign for this disease.

Illumina Laboratory Services, Illumina
Classification: Benign for Spinocerebellar Ataxia, Dominant. Last evaluated: 2018-01-13. Review status: criteria provided, single submitter. Criteria: ICSL Variant Classification Criteria 13 December 2019. Collection method: clinical testing. Allele origin: germline.
Comment: the same text as in the submission from Illumina Laboratory Services, Illumina above.

Mayo Clinic Laboratories, Mayo Clinic
Classification: Benign. Last evaluated: 2016-04-21. Review status: criteria provided, single submitter. Criteria: ACMG Guidelines, 2015. Collection method: clinical testing. Allele origin: germline. Observed: 55 variant alleles.

Ambry Genetics
Classification: Benign for Inborn genetic diseases. Last evaluated: 2016-04-11. Review status: criteria provided, single submitter. Criteria: Ambry Variant Classification Scheme 2023. Collection method: clinical testing. Allele origin: germline.

GeneDx
Classification: Benign. Last evaluated: 2015-03-03. Review status: criteria provided, single submitter. Criteria: GeneDx Variant Classification Process June 2021. Collection method: clinical testing. Allele origin: germline. Affected: yes.

Genetic Services Laboratory, University of Chicago
Classification: Benign for AllHighlyPenetrant. Last evaluated: 2013-05-08. Review status: criteria provided, single submitter. Criteria: ACMG Guidelines, 2007. Collection method: clinical testing. Allele origin: germline. Inheritance: Autosomal dominant inheritance.

Breakthrough Genomics
Classification: Benign. Review status: criteria provided, single submitter. Criteria: ACMG Guidelines, 2015. Collection method: not provided. Allele origin: germline. Inheritance: Autosomal dominant inheritance. Affected: yes.

Molecular Genetics Laboratory, London Health Sciences Centre
Classification: Benign for Charcot-Marie-Tooth disease. Review status: criteria provided, single submitter. Criteria: ACMG Guidelines, 2015. Collection method: clinical testing. Allele origin: germline. Affected: yes.

PreventionGenetics, part of Exact Sciences
Classification: Benign. Review status: criteria provided, single submitter. Criteria: ACMG Guidelines, 2015. Collection method: clinical testing. Allele origin: germline.

Clinical Genetics DNA and cytogenetics Diagnostics Lab, Erasmus MC, Erasmus Medical Center
Classification: Likely benign. Review status: no assertion criteria provided. Collection method: clinical testing. Allele origin: germline. Affected: yes. Study: VKGL Data-share Consensus. Not counted in ClinVar's aggregate classification.

Clinical Genetics, Academic Medical Center
Classification: Benign. Review status: no assertion criteria provided. Collection method: clinical testing. Allele origin: germline. Affected: yes. Study: VKGL Data-share Consensus. Not counted in ClinVar's aggregate classification.

Joint Genome Diagnostic Labs from Nijmegen and Maastricht, Radboudumc and MUMC+
Classification: Benign. Review status: no assertion criteria provided. Collection method: clinical testing. Allele origin: germline. Affected: yes. Study: VKGL Data-share Consensus. Not counted in ClinVar's aggregate classification.

NM_001376.5(DYNC1H1):c.3909G>A (p.Ala1303=)

Gene: DYNC1H1 (dynein cytoplasmic 1 heavy chain 1; plus strand). Cytogenetic location: 14q32.31.
Variant type: single nucleotide variant.
Coding change: c.3909G>A on transcript NM_001376.5 (MANE Select); coding-DNA position 3909, G replaced by A.
Protein change: p.Ala1303=; no amino-acid change (alanine 1303 retained).
Molecular consequence: synonymous variant.
Genome position (GRCh38, 1-based): chr14:102,000,093, G>A. VCF-style: chr14-102000093-G-A. GRCh37 (hg19) VCF-style: chr14-102466430-G-A.
Other names: p.Ala1303=.
Identifiers: ClinVar variation 128936 (VCV000128936.43), dbSNP rs34690489, ClinGen allele CA152642.